The following is an entry in ClinVar:

NM_000702.4(ATP1A2):c.1017+56G>A

Gene: ATP1A2 (ATPase Na+/K+ transporting subunit alpha 2; plus strand). Cytogenetic location: 1q23.2.
Variant type: single nucleotide variant.
Coding change: c.1017+56G>A on transcript NM_000702.4 (MANE Select); 56 bases into the intron after coding-DNA position 1017, G replaced by A.
Molecular consequence: intron variant.
Genome position (GRCh38, 1-based): chr1:160,127,876, G>A. VCF-style: chr1-160127876-G-A. GRCh37 (hg19) VCF-style: chr1-160097666-G-A.
Identifiers: ClinVar variation 670756 (VCV000670756.7), dbSNP rs6695366, ClinGen allele CA10865117.

ClinVar aggregate classification (germline): Benign. Review status: criteria provided, multiple submitters, no conflicts (2 of 4 stars). 7 submissions from 4 submitters: Benign (7). Last evaluated 2024-07-15.

Conditions:
Alternating hemiplegia of childhood 1 (AHC1). Identifiers: Orphanet 2131, MedGen C3549447, MONDO:0007087, OMIM 104290.
Migraine, familial hemiplegic, 2. Identifiers: Orphanet 569, MedGen C1865322, MONDO:0011232, OMIM 602481.
Fetal akinesia, respiratory insufficiency, microcephaly, polymicrogyria, and dysmorphic facies. Identifiers: MedGen C5562015, MONDO:0859204, OMIM 619602.
Developmental and epileptic encephalopathy 98. Identifiers: MedGen C5562017, MONDO:0030472, OMIM 619605.

Allele frequency attached by ClinVar (database versions not stated): 1000 Genomes Project 0.81530; 1000 Genomes Project 30x 0.81652; TOPMed 0.83031; gnomAD exomes 0.83186; gnomAD 0.84144 and 0.84545.

Submissions (7):

Unidad de Genómica Garrahan, Hospital de Pediatría Garrahan
Classification: Benign. Last evaluated: 2024-07-15. Review status: criteria provided, single submitter. Criteria: ACMG Guidelines, 2015. Collection method: clinical testing. Allele origin: germline. Affected: no. Observed: 85 variant alleles.
Comment: This variant is classified as Benign based on local population frequency. This variant was detected in 91% of patients studied in a panel designed for Epileptic and Developmental Encephalopathy and Progressive Myoclonus Epilepsy. Number of patients: 85. Only high quality variants are reported.

Genome-Nilou Lab
Classification: Benign for Developmental and epileptic encephalopathy 98. Last evaluated: 2021-12-05. Review status: criteria provided, single submitter. Criteria: ACMG Guidelines, 2015. Collection method: clinical testing. Allele origin: germline. Affected: no.

Genome-Nilou Lab
Classification: Benign for Fetal akinesia, respiratory insufficiency, microcephaly, polymicrogyria, and dysmorphic facies. Last evaluated: 2021-12-05. Review status: criteria provided, single submitter. Criteria: ACMG Guidelines, 2015. Collection method: clinical testing. Allele origin: germline. Affected: no.

Genome-Nilou Lab
Classification: Benign for Migraine, familial hemiplegic, 2. Last evaluated: 2021-12-05. Review status: criteria provided, single submitter. Criteria: ACMG Guidelines, 2015. Collection method: clinical testing. Allele origin: germline. Affected: no.

Genome-Nilou Lab
Classification: Benign for Alternating hemiplegia of childhood 1. Last evaluated: 2021-07-14. Review status: criteria provided, single submitter. Criteria: ACMG Guidelines, 2015. Collection method: clinical testing. Allele origin: germline. Affected: no.

GeneDx
Classification: Benign. Last evaluated: 2018-06-14. Review status: criteria provided, single submitter. Criteria: GeneDx Variant Classification (06012015). Collection method: clinical testing. Allele origin: germline. Affected: yes.
Comment: This variant is considered likely benign or benign based on one or more of the following criteria: it is a conservative change, it occurs at a poorly conserved position in the protein, it is predicted to be benign by multiple in silico algorithms, and/or has population frequency not consistent with disease.

Breakthrough Genomics
Classification: Benign. Review status: criteria provided, single submitter. Criteria: ACMG Guidelines, 2015. Collection method: not provided. Allele origin: germline. Inheritance: Autosomal recessive inheritance. Affected: yes.